The following is an entry in ClinVar:

ClinVar aggregate classification (germline): Likely benign (0 of 4 stars; one submission).

Conditions:
BCAM-related disorder. Also called: BCAM-related condition.

gnomAD v4.1: 9 of 1,611,576 alleles (0.00056%); highest among the groups gnomAD compares: Middle Eastern, 0.017%; no homozygotes.

Submission:

PreventionGenetics, part of Exact Sciences
Classification: Likely benign for BCAM-related condition. Last evaluated: 2019-03-12. Review status: no assertion criteria provided. Collection method: clinical testing. Allele origin: germline.
Comment: This variant is classified as likely benign based on ACMG/AMP sequence variant interpretation guidelines (Richards et al. 2015 PMID: 25741868, with internal and published modifications).

NM_005581.5(BCAM):c.624G>C (p.Thr208=)

Gene: BCAM (basal cell adhesion molecule (Lutheran blood group); plus strand). Cytogenetic location: 19q13.32.
Variant type: single nucleotide variant.
Coding change: c.624G>C on transcript NM_005581.5 (MANE Select); coding-DNA position 624, G replaced by C.
Protein change: p.Thr208=; no amino-acid change (threonine 208 retained).
Molecular consequence: synonymous variant.
Genome position (GRCh38, 1-based): chr19:44,813,460, G>C. VCF-style: chr19-44813460-G-C. GRCh37 (hg19) VCF-style: chr19-45316717-G-C.
Other names: c.624G>C, p.Thr208= (NM_001013257.2).
Identifiers: ClinVar variation 3353031 (VCV003353031.1).
Genomic context (GRCh38, chr19:44,813,460, plus strand): 5'-TGGCCTGGCTGACTGCCACCTCCCCCGATCTCTCCCAGAGGGCTACATGACCAGCCGCAC[G>C]GTCCGGGAGGCCTCGGGCCTGCTCTCCCTCACCAGCACCCTCTACCTGCGGCTCCGCAAG-3'
Protein context (NP_005572.2, residues 198-218): MNPEGYMTSR[Thr208=]VREASGLLSL